The following is an entry in ClinVar:

ClinVar aggregate classification (germline): Likely benign. Review status: criteria provided, multiple submitters, no conflicts (2 of 4 stars). 4 submissions from 4 submitters: Likely benign (3). 1 of the submissions does not count toward it. Last evaluated 2025-06-12.

Conditions:
NEK8-related disorder. Also called: NEK8-related condition.
Nephronophthisis 9 (NPHP9). Identifiers: Orphanet 655, MedGen C3151188, MONDO:0013444, OMIM 613824.
Renal-hepatic-pancreatic dysplasia 2 (RHPD2). Identifiers: MedGen C3809434, MONDO:0014174, OMIM 615415.

Allele frequency attached by ClinVar (database versions not stated): gnomAD 0.00025 and 0.00026; TOPMed 0.00027; ESP Exome Variant Server 0.00038; 1000 Genomes Project 0.00040; 1000 Genomes Project 30x 0.00047; gnomAD exomes 0.00007 and 0.00016; ExAC 0.00019.
gnomAD v4.1: 140 of 1,613,918 alleles (0.0087%); highest among the groups gnomAD compares: African/African-American, 0.097%; no homozygotes.

Submissions (4):

Labcorp Genetics (formerly Invitae), Labcorp
Classification: Likely benign for Nephronophthisis 9. Last evaluated: 2025-06-12. Review status: criteria provided, single submitter. Criteria: Invitae Variant Classification Sherloc (09022015). Collection method: clinical testing. Allele origin: germline.

CeGaT Center for Human Genetics Tuebingen
Classification: Likely benign. Last evaluated: 2024-11-01. Review status: criteria provided, single submitter. Criteria: CeGaT Center For Human Genetics Tuebingen Variant Classification Criteria Version 2. Collection method: clinical testing. Allele origin: germline. Affected: yes. Observed: 1 variant allele.
Comment: NEK8: BP4, BP7

Fulgent Genetics
Classification: Likely benign for Nephronophthisis 9; Renal-hepatic-pancreatic dysplasia 2. Last evaluated: 2021-09-14. Review status: criteria provided, single submitter. Criteria: ACMG Guidelines, 2015. Collection method: clinical testing. Allele origin: unknown.

PreventionGenetics, part of Exact Sciences
Classification: Likely benign for NEK8-related condition. Last evaluated: 2020-07-26. Review status: no assertion criteria provided. Collection method: clinical testing. Allele origin: germline. Not counted in ClinVar's aggregate classification.
Comment: This variant is classified as likely benign based on ACMG/AMP sequence variant interpretation guidelines (Richards et al. 2015 PMID: 25741868, with internal and published modifications).

NM_178170.3(NEK8):c.936G>A (p.Ser312=)

Gene: NEK8 (NIMA related kinase 8; plus strand). Cytogenetic location: 17q11.2.
Variant type: single nucleotide variant.
Coding change: c.936G>A on transcript NM_178170.3 (MANE Select); coding-DNA position 936, G replaced by A.
Protein change: p.Ser312=; no amino-acid change (serine 312 retained).
Molecular consequence: synonymous variant.
Genome position (GRCh38, 1-based): chr17:28,737,865, G>A. VCF-style: chr17-28737865-G-A. GRCh37 (hg19) VCF-style: chr17-27064883-G-A.
Identifiers: ClinVar variation 699985 (VCV000699985.24), dbSNP rs146798411, ClinGen allele CA8467250.